The following is an entry in ClinVar:

NM_022489.4(INF2):c.1063_1080dup (p.Val360_Gln361insLysAlaHisLysSerVal)

Gene: INF2 (inverted formin 2; plus strand). Cytogenetic location: 14q32.33.
Variant type: Duplication.
Coding change: c.1063_1080dup on transcript NM_022489.4 (MANE Select); coding-DNA positions 1063 to 1080, 18 bases duplicated (AAGGCCCATAAAAGCGTC).
Protein change: p.Val360_Gln361insLysAlaHisLysSerVal.
Molecular consequence: inframe insertion. On other transcripts: inframe indel (4).
Genome position (GRCh38, 1-based): chr14:104,707,330-104,707,347, AAGGCCCATAAAAGCGTC duplicated; duplicating any 18 consecutive bases within chr14:104,707,327-104,707,347 gives the same sequence; the c. name uses the placement nearest the transcript's 3' end. VCF-style (leftmost placement, unchanged base first): chr14-104707326-G-GGTCAAGGCCCATAAAAGC. GRCh37 (hg19) VCF-style: chr14-105173663-G-GGTCAAGGCCCATAAAAGC.
Other names: c.1063_1080dup, p.Val360_Gln361insLysAlaHisLysSerVal (NM_001031714.4, NM_001426862.1, NM_001426863.1 and 2 more transcripts).
Identifiers: ClinVar variation 2953160 (VCV002953160.3), dbSNP rs1252942859, ClinGen allele CA703401849.

ClinVar aggregate classification (germline): Uncertain significance (1 of 4 stars; one submission).

Conditions:
Charcot-Marie-Tooth disease dominant intermediate E. Also called: CHARCOT-MARIE-TOOTH NEUROPATHY WITH FOCAL SEGMENTAL GLOMERULONEPHRITIS. Identifiers: Orphanet 93114, MedGen C4302667, MONDO:0013758, OMIM 614455.
Focal segmental glomerulosclerosis 5 (FSGS5). Identifiers: Orphanet 656, MedGen C2750475, MONDO:0013191, OMIM 613237.

Submission:

Labcorp Genetics (formerly Invitae), Labcorp
Classification: Uncertain significance for Charcot-Marie-Tooth disease dominant intermediate E; Focal segmental glomerulosclerosis 5. Last evaluated: 2025-09-08. Review status: criteria provided, single submitter. Criteria: Invitae Variant Classification Sherloc (09022015). Collection method: clinical testing. Allele origin: germline.
Comment: This variant, c.1063_1080dup, results in the insertion of 6 amino acid(s) of the INF2 protein (p.Lys355_Val360dup), but otherwise preserves the integrity of the reading frame. This variant is not present in population databases (gnomAD no frequency). This variant has not been reported in the literature in individuals affected with INF2-related conditions. ClinVar contains an entry for this variant (Variation ID: 2953160). In summary, the available evidence is currently insufficient to determine the role of this variant in disease. Therefore, it has been classified as a Variant of Uncertain Significance.